The following is an entry in ClinVar:

NM_001384732.1(CPLANE1):c.8840G>A (p.Arg2947Lys)

Gene: CPLANE1 (ciliogenesis and planar polarity effector complex subunit 1; minus strand). Cytogenetic location: 5p13.2.
Variant type: single nucleotide variant.
Coding change: c.8840G>A on transcript NM_001384732.1 (MANE Select); coding-DNA position 8840, G replaced by A.
Protein change: p.Arg2947Lys; replaces arginine 2947 with lysine.
Molecular consequence: missense variant.
Genome position (GRCh38, 1-based): chr5:37,125,362, C>T on the plus strand (G>A on the coding strand, the complement: CPLANE1 is on the minus strand). VCF-style: chr5-37125362-C-T. GRCh37 (hg19) VCF-style: chr5-37125464-C-T.
Other names: c.8678G>A, p.Arg2893Lys (NM_023073.4); c.8678G>A (NM_023073.3); short protein forms R2893K, R2947K.
Identifiers: ClinVar variation 2044352 (VCV002044352.2), dbSNP rs757658944, ClinGen allele CA3237640.

ClinVar aggregate classification (germline): Uncertain significance. Review status: criteria provided, multiple submitters, no conflicts (2 of 4 stars). 2 submissions from 2 submitters: Uncertain significance (2). Last evaluated 2025-03-24.

Allele frequency attached by ClinVar (database versions not stated): ExAC 0.00001; gnomAD exomes 0.00003; TOPMed 0.00003; gnomAD 0.00005.
gnomAD v4.1: 52 of 1,613,690 alleles (0.0032%); highest among the groups gnomAD compares: Non-Finnish European, 0.0042%; no homozygotes.

Submissions (2):

GeneDx
Classification: Uncertain significance. Last evaluated: 2025-03-24. Review status: criteria provided, single submitter. Criteria: GeneDx Variant Classification Process June 2021. Collection method: clinical testing. Allele origin: germline. Affected: yes.
Comment: Not observed at significant frequency in large population cohorts (gnomAD); In silico analysis indicates that this missense variant does not alter protein structure/function; Has not been previously published as pathogenic or benign to our knowledge

Labcorp Genetics (formerly Invitae), Labcorp
Classification: Uncertain significance. Last evaluated: 2022-06-30. Review status: criteria provided, single submitter. Criteria: Invitae Variant Classification Sherloc (09022015). Collection method: clinical testing. Allele origin: germline.
Comment: This sequence change replaces arginine, which is basic and polar, with lysine, which is basic and polar, at codon 2893 of the CPLANE1 protein (p.Arg2893Lys). This variant is present in population databases (rs757658944, gnomAD 0.004%). This variant has not been reported in the literature in individuals affected with CPLANE1-related conditions. Advanced modeling of protein sequence and biophysical properties (such as structural, functional, and spatial information, amino acid conservation, physicochemical variation, residue mobility, and thermodynamic stability) performed at Invitae indicates that this missense variant is not expected to disrupt CPLANE1 protein function. In summary, the available evidence is currently insufficient to determine the role of this variant in disease. Therefore, it has been classified as a Variant of Uncertain Significance.